The following is an entry in ClinVar:

NM_001008212.2(OPTN):c.369+6C>G

Genes: OPTN (optineurin; plus strand), LOC108903148 (10p13 OPTN distal Alu-mediated recombination region; plus strand). Cytogenetic location: 10p13.
Variant type: single nucleotide variant.
Coding change: c.369+6C>G on transcript NM_001008212.2 (MANE Select); 6 bases into the intron after coding-DNA position 369, C replaced by G.
Molecular consequence: intron variant.
Genome position (GRCh38, 1-based): chr10:13,110,482, C>G. VCF-style: chr10-13110482-C-G. GRCh37 (hg19) VCF-style: chr10-13152482-C-G.
Other names: c.369+6C>G (NM_001008211.1, NM_001008213.1, NM_021980.4).
Identifiers: ClinVar variation 1733959 (VCV001733959.4), dbSNP rs758583995, ClinGen allele CA5410572.
Genomic context (GRCh38, chr10:13,110,482, plus strand): 5'-GAAATTGAAGGAAGAGCTTGGAAAACTAAAAGGGAAATCAGAAAGGTCATCTGAGGTGAG[C>G]AGACCGATCCATTGTGATGTTGTTTTTTTTTTTTCCCTTGACATTTGCAGTGGAATCTTA-3'

ClinVar aggregate classification (germline): Uncertain significance. Review status: criteria provided, multiple submitters, no conflicts (2 of 4 stars). 2 submissions from 2 submitters: Uncertain significance (2). Last evaluated 2025-07-01.

Conditions:
Primary open angle glaucoma (POAG). Also called: OPTN-related open angle glaucoma. Identifiers: MedGen C0339573, MONDO:0100553, OMIM 137760.
Glaucoma 1, open angle, E. Identifiers: MedGen C1842026, MONDO:0007665.
Amyotrophic lateral sclerosis type 12 (ALS12). Also called: AMYOTROPHIC LATERAL SCLEROSIS 12 WITH OR WITHOUT FRONTOTEMPORAL DEMENTIA. Identifiers: Orphanet 803, MedGen C3150692, MONDO:0013264, OMIM 613435.
Inborn genetic diseases. Identifiers: MedGen C0950123, MeSH D030342.

Allele frequency attached by ClinVar (database versions not stated): gnomAD exomes below 0.00001; ExAC 0.00001; gnomAD 0.00001.
gnomAD v4.1: 8 of 1,606,390 alleles (0.0005%); highest among the groups gnomAD compares: Admixed American, 0.01%; no homozygotes.

Submissions (2):

Labcorp Genetics (formerly Invitae), Labcorp
Classification: Uncertain significance for Primary open angle glaucoma; Glaucoma 1, open angle, E; Amyotrophic lateral sclerosis type 12. Last evaluated: 2025-07-01. Review status: criteria provided, single submitter. Criteria: Invitae Variant Classification Sherloc (09022015). Collection method: clinical testing. Allele origin: germline.
Comment: This sequence change falls in intron 3 of the OPTN gene. It does not directly change the encoded amino acid sequence of the OPTN protein. It affects a nucleotide within the consensus splice site. This variant is present in population databases (rs758583995, gnomAD 0.01%). This variant has not been reported in the literature in individuals affected with OPTN-related conditions. ClinVar contains an entry for this variant (Variation ID: 1733959). Variants that disrupt the consensus splice site are a relatively common cause of aberrant splicing (PMID: 17576681, 9536098). Algorithms developed to predict the effect of sequence changes on RNA splicing suggest that this variant is not likely to affect RNA splicing. In summary, the available evidence is currently insufficient to determine the role of this variant in disease. Therefore, it has been classified as a Variant of Uncertain Significance.

Ambry Genetics
Classification: Uncertain significance for Inborn genetic diseases. Last evaluated: 2022-03-09. Review status: criteria provided, single submitter. Criteria: Ambry Variant Classification Scheme 2023. Collection method: clinical testing. Allele origin: germline.
Comment: The c.369+6C>G intronic variant results from a C to G substitution 6 nucleotides after coding exon 2 in the OPTN gene. This nucleotide position is well conserved in available vertebrate species. In silico splice site analysis predicts that this alteration will not have any significant effect on splicing. Based on the supporting evidence, this variant is unlikely to be causative of autosomal dominant amyotrophic lateral sclerosis 12 (ALS) or primary open angle glaucoma (POAG); however, its contribution to the development of autosomal recessive OPTN-associated ALS is uncertain.

Literature cited by the submitters: PubMed 17576681 (cited by Labcorp Genetics (formerly Invitae), Labcorp); PubMed 9536098 (cited by Labcorp Genetics (formerly Invitae), Labcorp).